The following is an entry in ClinVar:

NM_022773.4(LMF1):c.789_796dup (p.Glu266fs)

Gene: LMF1 (lipase maturation factor 1; minus strand). Cytogenetic location: 16p13.3.
Variant type: Duplication.
Coding change: c.789_796dup on transcript NM_022773.4 (MANE Select); coding-DNA positions 789 to 796, 8 bases duplicated (TCGCTTCG; older notation c.789_796dupTCGCTTCG).
Protein change: p.Glu266fs; shifts the reading frame from glutamic acid 266.
Molecular consequence: frameshift variant. On other transcripts: non-coding transcript variant (1).
Genome position (GRCh38, 1-based): chr16:879,671-879,678, CGAAGCGA duplicated on the plus strand (TCGCTTCG on the coding strand, the reverse complement: LMF1 is on the minus strand). VCF-style (leftmost placement, unchanged base first): chr16-879670-T-TCGAAGCGA. GRCh37 (hg19) VCF-style: chr16-929670-T-TCGAAGCGA.
Other names: c.138_145dup, p.Glu49fs (NM_001352017.2, NM_001352021.2); c.390_397dup, p.Glu133fs (NM_001352018.2); c.462_469dup, p.Glu157fs (NM_001352019.2); c.789_796dup, p.Glu266fs (NM_001352020.1); c.789_796dup8 (NM_022773.2); short protein forms E133fs, E157fs, E266fs, E49fs.
Identifiers: ClinVar variation 3609264 (VCV003609264.5).

ClinVar aggregate classification (germline): Pathogenic/Likely pathogenic. Review status: criteria provided, multiple submitters, no conflicts (2 of 4 stars). 3 submissions from 3 submitters: Pathogenic (1); Likely pathogenic (2). Last evaluated 2026-05-11.

Conditions:
LMF1-related disorder. Also called: LMF1-related condition.
Lipase deficiency, combined. Also called: LIPOPROTEIN LIPASE DEFICIENCY WITH HEPATIC TRIGLYCERIDE LIPASE DEFICIENCY; LPL AND HL DEFICIENCY; LPL AND HTGL DEFICIENCY. Identifiers: Orphanet 535453, MedGen C1855498, MONDO:0009527, OMIM 246650.

Submissions (3):

PreventionGenetics, part of Exact Sciences
Classification: Likely pathogenic for LMF1-related condition. Last evaluated: 2026-05-11. Review status: criteria provided, single submitter. Criteria: ACMG Guidelines, 2015. Collection method: clinical testing. Allele origin: germline.
Comment: The LMF1 c.789_796dup8 variant is predicted to result in a frameshift and premature protein termination (p.Glu266Valfs*49). This variant has been reported in a cohort study with hypertriglyceridemia (Table S2, Deshotels et al. 2022. PubMed ID: 36325899). This variant is reported in 0.0058% of alleles in individuals of Latino descent in gnomAD. Frameshift variants in LMF1 are expected to be pathogenic. This variant is interpreted as likely pathogenic.

Labcorp Genetics (formerly Invitae), Labcorp
Classification: Pathogenic. Last evaluated: 2025-12-17. Review status: criteria provided, single submitter. Criteria: Invitae Variant Classification Sherloc (09022015). Collection method: clinical testing. Allele origin: germline.
Comment: This sequence change creates a premature translational stop signal (p.Glu266Valfs*49) in the LMF1 gene. It is expected to result in an absent or disrupted protein product. Loss-of-function variants in LMF1 are known to be pathogenic (PMID: 17994020, 19820022, 22239554). This variant is present in population databases (no rsID available, gnomAD 0.009%). This premature translational stop signal has been observed in individual(s) with clinical features of dyslipidemia (PMID: 36325899). ClinVar contains an entry for this variant (Variation ID: 3609264). For these reasons, this variant has been classified as Pathogenic.

Dasa
Classification: Likely pathogenic for Lipase deficiency, combined. Last evaluated: 2025-11-13. Review status: criteria provided, single submitter. Criteria: DASA Assertion Criteria. Collection method: clinical testing. Allele origin: germline.
Comment: NM_022773.4(LMF1):c.789_796dup (p.Glu266Valfs*49) is a frameshift variant in LMF1 predicted to alter the reading frame and introduce a premature termination codon and is predicted to result in an absent or altered protein product. Loss of function is an established disease mechanism for LMF1-associated disorders. Also, this variant is rare in population databases. Based on the currently available evidence, this variant is classified as likely pathogenic.

Literature cited by the submitters: PubMed 17994020 (cited by Labcorp Genetics (formerly Invitae), Labcorp); PubMed 19820022 (cited by Labcorp Genetics (formerly Invitae), Labcorp); PubMed 22239554 (cited by Labcorp Genetics (formerly Invitae), Labcorp); PubMed 36325899 (cited by Labcorp Genetics (formerly Invitae), Labcorp).